The following is an entry in ClinVar:

ClinVar aggregate classification (germline): Uncertain significance. Review status: criteria provided, multiple submitters, no conflicts (2 of 4 stars). 2 submissions from 2 submitters: Uncertain significance (2). Last evaluated 2025-01-31.

Allele frequency attached by ClinVar (database versions not stated): ExAC 0.00011; TOPMed 0.00015; gnomAD exomes 0.00010; gnomAD 0.00014; ESP Exome Variant Server 0.00023.
gnomAD v4.1: 350 of 1,613,794 alleles (0.022%); highest among the groups gnomAD compares: Non-Finnish European, 0.028%; no homozygotes.

Submissions (2):

Mayo Clinic Laboratories, Mayo Clinic
Classification: Uncertain significance. Last evaluated: 2025-01-31. Review status: criteria provided, single submitter. Criteria: ACMG Guidelines, 2015. Collection method: clinical testing. Allele origin: germline. Observed: 2 variant alleles.
Comment: BP4_moderate, PM2_supporting

Labcorp Genetics (formerly Invitae), Labcorp
Classification: Uncertain significance. Last evaluated: 2024-07-24. Review status: criteria provided, single submitter. Criteria: Invitae Variant Classification Sherloc (09022015). Collection method: clinical testing. Allele origin: germline.
Comment: This sequence change replaces proline, which is neutral and non-polar, with serine, which is neutral and polar, at codon 423 of the VPS13D protein (p.Pro423Ser). This variant is present in population databases (rs200409077, gnomAD 0.02%). This variant has not been reported in the literature in individuals affected with VPS13D-related conditions. ClinVar contains an entry for this variant (Variation ID: 1389364). Advanced modeling of protein sequence and biophysical properties (such as structural, functional, and spatial information, amino acid conservation, physicochemical variation, residue mobility, and thermodynamic stability) performed at Invitae indicates that this missense variant is not expected to disrupt VPS13D protein function with a negative predictive value of 80%. In summary, the available evidence is currently insufficient to determine the role of this variant in disease. Therefore, it has been classified as a Variant of Uncertain Significance.

NM_015378.4(VPS13D):c.1267C>T (p.Pro423Ser)

Gene: VPS13D (vacuolar protein sorting 13 homolog D; plus strand). Cytogenetic location: 1p36.22.
Variant type: single nucleotide variant.
Coding change: c.1267C>T on transcript NM_015378.4 (MANE Select); coding-DNA position 1267, C replaced by T.
Protein change: p.Pro423Ser; replaces proline 423 with serine.
Molecular consequence: missense variant.
Genome position (GRCh38, 1-based): chr1:12,261,002, C>T. VCF-style: chr1-12261002-C-T. GRCh37 (hg19) VCF-style: chr1-12321059-C-T.
Other names: p.Pro423Ser; c.1267C>T, p.Pro423Ser (NM_018156.4); short protein forms P423S.
Identifiers: ClinVar variation 1389364 (VCV001389364.7), dbSNP rs200409077, ClinGen allele CA601477.